The following is an entry in ClinVar:

NM_001429.4(EP300):c.4907A>G (p.Asp1636Gly)

Gene: EP300 (EP300 lysine acetyltransferase; plus strand). Cytogenetic location: 22q13.2.
Variant type: single nucleotide variant.
Coding change: c.4907A>G on transcript NM_001429.4 (MANE Select); coding-DNA position 4907, A replaced by G.
Protein change: p.Asp1636Gly; replaces aspartic acid 1636 with glycine.
Molecular consequence: missense variant.
Genome position (GRCh38, 1-based): chr22:41,176,374, A>G. VCF-style: chr22-41176374-A-G. GRCh37 (hg19) VCF-style: chr22-41572378-A-G.
Other names: c.4829A>G, p.Asp1610Gly (NM_001362843.2); short protein forms D1610G, D1636G.
Identifiers: ClinVar variation 3906607 (VCV003906607.1).

ClinVar aggregate classification (germline): Uncertain significance (1 of 4 stars; one submission).

Submission:

GeneDx
Classification: Uncertain significance. Last evaluated: 2024-12-18. Review status: criteria provided, single submitter. Criteria: GeneDx Variant Classification Process June 2021. Collection method: clinical testing. Allele origin: germline. Affected: yes.
Comment: Not observed at significant frequency in large population cohorts (gnomAD); In silico analysis supports that this missense variant has a deleterious effect on protein structure/function; Has not been previously published as pathogenic or benign to our knowledge